The following is an entry in ClinVar:

NM_033380.3(COL4A5):c.689G>A (p.Gly230Asp)

Gene: COL4A5 (collagen type IV alpha 5 chain; plus strand). Cytogenetic location: Xq22.3.
Variant type: single nucleotide variant.
Coding change: c.689G>A on transcript NM_033380.3 (MANE Select); coding-DNA position 689, G replaced by A.
Protein change: p.Gly230Asp; replaces glycine 230 with aspartic acid.
Molecular consequence: missense variant.
Genome position (GRCh38, 1-based): chrX:108,578,292, G>A. VCF-style: chrX-108578292-G-A. GRCh37 (hg19) VCF-style: chrX-107821522-G-A.
Other names: c.689G>A, p.Gly230Asp (NM_000495.5); short protein forms G230D.
Identifiers: ClinVar variation 1443520 (VCV001443520.6), dbSNP rs281874763, ClinGen allele CA258315.

ClinVar aggregate classification (germline): Pathogenic. Review status: criteria provided, multiple submitters, no conflicts (2 of 4 stars). 2 submissions from 2 submitters: Pathogenic (2). Last evaluated 2024-11-05.

Conditions:
X-linked Alport syndrome (ATS1). Also called: COL4A5-Related Nephropathy; NEPHROPATHY AND DEAFNESS, X-LINKED. Identifiers: Orphanet 63, Orphanet 88917, MedGen C4746986, MONDO:0010520, OMIM 301050.

Submissions (2):

Labcorp Genetics (formerly Invitae), Labcorp
Classification: Pathogenic. Last evaluated: 2024-11-05. Review status: criteria provided, single submitter. Criteria: Invitae Variant Classification Sherloc (09022015). Collection method: clinical testing. Allele origin: germline.
Comment: This sequence change replaces glycine, which is neutral and non-polar, with aspartic acid, which is acidic and polar, at codon 230 of the COL4A5 protein (p.Gly230Asp). This variant is not present in population databases (gnomAD no frequency). This missense change has been observed in individuals with Alport syndrome (PMID: 19728970; internal data). ClinVar contains an entry for this variant (Variation ID: 1443520). Experimental studies and prediction algorithms are not available or were not evaluated, and the functional significance of this variant is currently unknown. This variant disrupts the triple helix domain of COL4A5. Glycine residues within the Gly-Xaa-Yaa repeats of the triple helix domain are required for the structure and stability of fibrillar collagens (PMID: 7695699, 8218237, 19344236). In COL4A5, missense variants at these glycine residues are significantly enriched in individuals with disease (PMID: 23720012, 27627812) compared to the general population (ExAC). For these reasons, this variant has been classified as Pathogenic.

Fulgent Genetics
Classification: Pathogenic for X-linked Alport syndrome. Last evaluated: 2024-02-20. Review status: criteria provided, single submitter. Criteria: ACMG Guidelines, 2015. Collection method: clinical testing. Allele origin: germline.

Literature cited by the submitters: PubMed 19728970 (cited by Labcorp Genetics (formerly Invitae), Labcorp); PubMed 7695699 (cited by Labcorp Genetics (formerly Invitae), Labcorp); PubMed 8218237 (cited by Labcorp Genetics (formerly Invitae), Labcorp); PubMed 19344236 (cited by Labcorp Genetics (formerly Invitae), Labcorp); PubMed 23720012 (cited by Labcorp Genetics (formerly Invitae), Labcorp); PubMed 27627812 (cited by Labcorp Genetics (formerly Invitae), Labcorp).